The following is an entry in ClinVar:

ClinVar aggregate classification (germline): Uncertain significance (1 of 4 stars; one submission).

Submission:

GeneDx
Classification: Uncertain significance. Last evaluated: 2020-01-30. Review status: criteria provided, single submitter. Criteria: GeneDx Variant Classification Process June 2021. Collection method: clinical testing. Allele origin: germline. Affected: yes.
Comment: Not observed in large population cohorts (Lek et al., 2016); Frameshift variant predicted to result in protein truncation or nonsense mediated decay in a gene for which loss-of-function is not a known mechanism of disease; Has not been previously published as pathogenic or benign to our knowledge

NM_001940.4(ATN1):c.1604_1607del (p.Ser535fs)

Gene: ATN1 (atrophin 1; plus strand). Cytogenetic location: 12p13.31.
Variant type: Microsatellite.
Coding change: c.1604_1607del on transcript NM_001940.4 (MANE Select); coding-DNA positions 1604 to 1607, 4 bases deleted (CCCT; older notation c.1604_1607delCCCT).
Protein change: p.Ser535fs; shifts the reading frame from serine 535.
Molecular consequence: frameshift variant.
Genome position (GRCh38, 1-based): chr12:6,936,871-6,936,874, CCCT deleted; deleting any 4 consecutive bases within chr12:6,936,865-6,936,874 gives the same sequence; the c. name uses the placement nearest the transcript's 3' end. VCF-style (leftmost placement, unchanged base first): chr12-6936864-TCTCC-T. GRCh37 (hg19) VCF-style: chr12-7046027-TCTCC-T.
Other names: c.1604_1607del, p.Ser535fs (NM_001007026.2); short protein forms S535fs.
Identifiers: ClinVar variation 1311217 (VCV001311217.2), dbSNP rs2138214471, ClinGen allele CA2580615128.